The following is an entry in ClinVar:

NM_004525.3(LRP2):c.6811A>G (p.Ile2271Val)

Gene: LRP2 (LDL receptor related protein 2; minus strand). Cytogenetic location: 2q31.1.
Variant type: single nucleotide variant.
Coding change: c.6811A>G on transcript NM_004525.3 (MANE Select); coding-DNA position 6811, A replaced by G.
Protein change: p.Ile2271Val; replaces isoleucine 2271 with valine.
Molecular consequence: missense variant.
Genome position (GRCh38, 1-based): chr2:169,206,909, T>C on the plus strand (A>G on the coding strand, the complement: LRP2 is on the minus strand). VCF-style: chr2-169206909-T-C. GRCh37 (hg19) VCF-style: chr2-170063419-T-C.
Other names: short protein forms I2271V.
Identifiers: ClinVar variation 1948305 (VCV001948305.2), dbSNP rs1688412282, ClinGen allele CA349172422.
Genomic context (GRCh38, chr2:169,206,909, plus strand): 5'-TGATAGAATTTTCAAAAACAGTGATGCCATAAGGAGTTGGGTAACGACTGCCATAACGAA[T>C]CACTTCAGAGTTCTCTCCATTGATACGAATCCTTGCAATTATATCTAAAGAATCATCAAC-3'
Protein context (NP_004516.2, residues 2261-2281): IRINGENSEV[Ile2271Val]RYGSRYPTPY

ClinVar aggregate classification (germline): Uncertain significance (1 of 4 stars; one submission).

Allele frequency attached by ClinVar (database versions not stated): TOPMed below 0.00001.

Submission:

Labcorp Genetics (formerly Invitae), Labcorp
Classification: Uncertain significance. Last evaluated: 2022-10-04. Review status: criteria provided, single submitter. Criteria: Invitae Variant Classification Sherloc (09022015). Collection method: clinical testing. Allele origin: germline.
Comment: This sequence change replaces isoleucine, which is neutral and non-polar, with valine, which is neutral and non-polar, at codon 2271 of the LRP2 protein (p.Ile2271Val). This variant is not present in population databases (gnomAD no frequency). This variant has not been reported in the literature in individuals affected with LRP2-related conditions. Advanced modeling of protein sequence and biophysical properties (such as structural, functional, and spatial information, amino acid conservation, physicochemical variation, residue mobility, and thermodynamic stability) performed at Invitae indicates that this missense variant is not expected to disrupt LRP2 protein function. In summary, the available evidence is currently insufficient to determine the role of this variant in disease. Therefore, it has been classified as a Variant of Uncertain Significance.